The following is an entry in ClinVar:

NM_001042492.3(NF1):c.3455T>G (p.Leu1152Ter)

Gene: NF1 (neurofibromin 1; plus strand). Cytogenetic location: 17q11.2.
Variant type: single nucleotide variant.
Coding change: c.3455T>G on transcript NM_001042492.3 (MANE Select); coding-DNA position 3455, T replaced by G.
Protein change: p.Leu1152Ter; replaces leucine 1152 with a stop codon.
Molecular consequence: nonsense.
Genome position (GRCh38, 1-based): chr17:31,232,840, T>G. VCF-style: chr17-31232840-T-G. GRCh37 (hg19) VCF-style: chr17-29559858-T-G.
Other names: c.3455T>G, p.Leu1152Ter (NM_000267.4); short protein forms L1152*.
Identifiers: ClinVar variation 2857843 (VCV002857843.3), dbSNP rs2067137759, ClinGen allele CA398989340.

ClinVar aggregate classification (germline): Pathogenic (1 of 4 stars; one submission).

Conditions:
Neurofibromatosis, type 1 (NF1). Also called: VON RECKLINGHAUSEN DISEASE; Neurofibromatosis, type I; Peripheral type neurofibromatosis; NEUROFIBROMATOSIS, TYPE I, SOMATIC. Identifiers: Orphanet 636, MedGen C0027831, MONDO:0018975, OMIM 162200. Disease mechanism: loss of function.

Submission:

Labcorp Genetics (formerly Invitae), Labcorp
Classification: Pathogenic for Neurofibromatosis, type 1. Last evaluated: 2023-04-20. Review status: criteria provided, single submitter. Criteria: Invitae Variant Classification Sherloc (09022015). Collection method: clinical testing. Allele origin: germline.
Comment: For these reasons, this variant has been classified as Pathogenic. This variant has not been reported in the literature in individuals affected with NF1-related conditions. This variant is not present in population databases (gnomAD no frequency). This sequence change creates a premature translational stop signal (p.Leu1152*) in the NF1 gene. It is expected to result in an absent or disrupted protein product. Loss-of-function variants in NF1 are known to be pathogenic (PMID: 10712197, 23913538).

Literature cited by the submitters: PubMed 10712197; PubMed 23913538.